The following is an entry in ClinVar:

NM_000414.4(HSD17B4):c.2207T>A (p.Leu736His)

Gene: HSD17B4 (hydroxysteroid 17-beta dehydrogenase 4; plus strand). Cytogenetic location: 5q23.1.
Variant type: single nucleotide variant.
Coding change: c.2207T>A on transcript NM_000414.4 (MANE Select); coding-DNA position 2207, T replaced by A.
Protein change: p.Leu736His; replaces leucine 736 with histidine.
Molecular consequence: missense variant. On other transcripts: non-coding transcript variant (2).
Genome position (GRCh38, 1-based): chr5:119,541,990, T>A. VCF-style: chr5-119541990-T-A. GRCh37 (hg19) VCF-style: chr5-118877685-T-A.
Other names: c.2282T>A, p.Leu761His (NM_001199291.3); c.2153T>A, p.Leu718His (NM_001199292.2); c.2135T>A, p.Leu712His (NM_001292027.2, NM_001374498.1); c.1787T>A, p.Leu596His (NM_001292028.2); c.2198T>A, p.Leu733His (NM_001374497.1); c.1880T>A, p.Leu627His (NM_001374499.1); c.1766T>A, p.Leu589His (NM_001374500.1); c.1796T>A, p.Leu599His (NM_001374501.1, NM_001374502.1, NM_001374503.1); short protein forms L589H, L596H, L599H, L718H, L733H, L627H, L736H, L712H.
Identifiers: ClinVar variation 1030778 (VCV001030778.3), dbSNP rs1755036404, ClinGen allele CA360872780.
Genomic context (GRCh38, chr5:119,541,990, plus strand): 5'-CCAGAGGGAACATCATGCTGAGCCAGAAACTTCAGATGATTCTTAAAGACTACGCCAAGC[T>A]CTGAAGGGCACACTACACTATTAATAAAAATGGAATCATTAAATACTCTCTTCACCCAAA-3'
Protein context (NP_000405.1, residues 726-736): LQMILKDYAK[Leu736His]

ClinVar aggregate classification (germline): Likely pathogenic. Review status: criteria provided, multiple submitters, no conflicts (2 of 4 stars). 3 submissions from 3 submitters: Likely pathogenic (3). Last evaluated 2025-10-07.

Conditions:
Perrault syndrome 1 (PRLTS1). Also called: GONADAL DYSGENESIS, XX TYPE, WITH DEAFNESS; OVARIAN DYSGENESIS WITH SENSORINEURAL DEAFNESS. Identifiers: Orphanet 2855, Orphanet 642945, MedGen C4551721, MONDO:0009300, OMIM 233400.
Bifunctional peroxisomal enzyme deficiency (DBIF). Also called: PBFE DEFICIENCY; DBP DEFICIENCY; D-bifunctional protein deficiency. Identifiers: Orphanet 300, MedGen C0342870, MONDO:0009855, OMIM 261515. Disease mechanism: loss of function.

Submissions (3):

Natera, Inc.
Classification: Likely pathogenic for Bifunctional peroxisomal enzyme deficiency. Last evaluated: 2025-10-07. Review status: criteria provided, single submitter. Criteria: Natera Variant Classification Schema (03/2026). Collection method: clinical testing. Allele origin: germline.
Comment: The c.2207T>A variant in HSD17B4 is a missense variant predicted to cause substitution of leucine to histidine at amino acid 736. This variant is rare in the general population with a frequency below the threshold expected for the associated phenotype(s). This variant has been observed in one or more individuals affected with the associated recessive disease, as either homozygous or compound heterozygous with a second variant (PMID: 20681997, 30561787). This variant has been identified in one or more affected individual with a phenotype highly consistent with the associated gene (PMID: 20681997). Computational prediction algorithms indicate this variant is likely to affect gene or protein function. Given the available evidence, this variant is classified as Likely Pathogenic.

Genomic Medicine Center of Excellence, King Faisal Specialist Hospital and Research Centre
Classification: Likely pathogenic for Perrault syndrome 1. Last evaluated: 2024-03-14. Review status: criteria provided, single submitter. Criteria: ACMG Guidelines, 2015. Collection method: clinical testing. Allele origin: germline.

Baylor Genetics
Classification: Likely pathogenic for Bifunctional peroxisomal enzyme deficiency. Last evaluated: 2020-04-14. Review status: criteria provided, single submitter. Criteria: ACMG Guidelines, 2015. Collection method: clinical testing. Allele origin: unknown. Affected: yes.
Comment: This variant was determined to be likely pathogenic according to ACMG Guidelines, 2015 [PMID:25741868].

Literature cited by the submitters: PubMed 20681997 (cited by Natera, Inc.); PubMed 30561787 (cited by Natera, Inc.).